The following is an entry in ClinVar:

ClinVar aggregate classification (germline): Likely pathogenic (1 of 4 stars; one submission).

Conditions:
Primary ciliary dyskinesia. Also called: Ciliary dyskinesia. Identifiers: Orphanet 244, MedGen C0008780, MONDO:0016575, HP:0012265.

Submission:

Department of Human Genetics, Hannover Medical School
Classification: Likely pathogenic for Primary Ciliary Dyskinesia. Last evaluated: 2026-04-01. Review status: criteria provided, single submitter. Criteria: ACMG Guidelines, 2015. Collection method: research. Allele origin: germline. Affected: no.
Comment: Classification performed by HerediClassify using the following criteria:['PM2_supporting: Variant occures does not occur as homozygous in gnomAD.', 'PVS1_protein_very_strong: Transcript ENST00000430334 is predicted to undergo NMD.']

NM_014798.3(PLEKHM1):c.1481T>G (p.Leu494Ter)

Gene: PLEKHM1 (pleckstrin homology and RUN domain containing M1; minus strand). Cytogenetic location: 17q21.31.
Variant type: single nucleotide variant.
Coding change: c.1481T>G on transcript NM_014798.3 (MANE Select); coding-DNA position 1481, T replaced by G.
Protein change: p.Leu494Ter; replaces leucine 494 with a stop codon.
Molecular consequence: nonsense. On other transcripts: non-coding transcript variant (2).
Genome position (GRCh38, 1-based): chr17:45,458,267, A>C on the plus strand (T>G on the coding strand, the complement: PLEKHM1 is on the minus strand). VCF-style: chr17-45458267-A-C. GRCh37 (hg19) VCF-style: chr17-43535633-A-C.
Other names: c.1481T>G, p.Leu494Ter (NM_001352825.2); short protein forms L494*.
Identifiers: ClinVar variation 4880044 (VCV004880044.1).